The following is an entry in ClinVar:

NM_005859.5(PURA):c.608C>T (p.Ala203Val)

Gene: PURA (purine rich element binding protein A; plus strand). Cytogenetic location: 5q31.3.
Variant type: single nucleotide variant.
Coding change: c.608C>T on transcript NM_005859.5 (MANE Select); coding-DNA position 608, C replaced by T.
Protein change: p.Ala203Val; replaces alanine 203 with valine.
Molecular consequence: missense variant.
Genome position (GRCh38, 1-based): chr5:140,114,789, C>T. VCF-style: chr5-140114789-C-T. GRCh37 (hg19) VCF-style: chr5-139494374-C-T.
Other names: short protein forms A203V.
Identifiers: ClinVar variation 1218233 (VCV001218233.3), dbSNP rs2126749271, ClinGen allele CA361491138.

ClinVar aggregate classification (germline): Uncertain significance (1 of 4 stars; one submission).

Allele frequency attached by ClinVar (database versions not stated): gnomAD exomes below 0.00001.
gnomAD v4.1: 1 of 1,613,694 alleles (0.000062%); highest among the groups gnomAD compares: South Asian, 0.0011%; no homozygotes.

Submission:

GeneDx
Classification: Uncertain significance. Last evaluated: 2020-10-30. Review status: criteria provided, single submitter. Criteria: GeneDx Variant Classification Process June 2021. Collection method: clinical testing. Allele origin: germline. Affected: yes.
Comment: Not observed in large population cohorts (Lek et al., 2016); In silico analysis supports that this missense variant does not alter protein structure/function; Has not been previously published as pathogenic or benign to our knowledge